The following is an entry in ClinVar:

ClinVar aggregate classification (germline): Pathogenic. Review status: criteria provided, multiple submitters, no conflicts (2 of 4 stars). 2 submissions from 2 submitters: Pathogenic (2). Last evaluated 2023-11-16.

Conditions:
Marfan syndrome (MFS). Also called: MARFAN SYNDROME, TYPE I; FBN1-Related Marfan Syndrome; Marfan syndrome type 1; Marfan's syndrome; Marfan syndrome, classic. Identifiers: Orphanet 284963, Orphanet 558, MedGen C0024796, MONDO:0007947, OMIM 154700.
Familial thoracic aortic aneurysm and aortic dissection (TAAD). Also called: Thoracic aortic aneurysms and dissections. Identifiers: Orphanet 91387, MedGen C4707243, MONDO:0019625.

Submissions (2):

Labcorp Genetics (formerly Invitae), Labcorp
Classification: Pathogenic for Marfan syndrome; Familial thoracic aortic aneurysm and aortic dissection. Last evaluated: 2023-11-16. Review status: criteria provided, single submitter. Criteria: Invitae Variant Classification Sherloc (09022015). Collection method: clinical testing. Allele origin: germline.
Comment: This sequence change creates a premature translational stop signal (p.Trp988*) in the FBN1 gene. It is expected to result in an absent or disrupted protein product. Loss-of-function variants in FBN1 are known to be pathogenic (PMID: 17657824, 19293843). This variant is not present in population databases (gnomAD no frequency). This premature translational stop signal has been observed in individual(s) with clinical features of Marfan syndrome (PMID: 27906200). ClinVar contains an entry for this variant (Variation ID: 2504236). For these reasons, this variant has been classified as Pathogenic.

GeneDx
Classification: Pathogenic. Last evaluated: 2022-11-28. Review status: criteria provided, single submitter. Criteria: GeneDx Variant Classification Process June 2021. Collection method: clinical testing. Allele origin: germline. Affected: yes.
Comment: Listed with MFS Ghent II and a Marfan Score of 5 in the published literature (Groth et al., 2017); Nonsense variant predicted to result in protein truncation or nonsense mediated decay in a gene for which loss of function is a known mechanism of disease; Not observed at significant frequency in large population cohorts (gnomAD); This variant is associated with the following publications: (PMID: 27906200)

Literature cited by the submitters: PubMed 17657824 (cited by Labcorp Genetics (formerly Invitae), Labcorp); PubMed 19293843 (cited by Labcorp Genetics (formerly Invitae), Labcorp); PubMed 27906200 (cited by Labcorp Genetics (formerly Invitae), Labcorp).

NM_000138.5(FBN1):c.2964G>A (p.Trp988Ter)

Gene: FBN1 (fibrillin 1; minus strand). Cytogenetic location: 15q21.1.
Variant type: single nucleotide variant.
Coding change: c.2964G>A on transcript NM_000138.5 (MANE Select); coding-DNA position 2964, G replaced by A.
Protein change: p.Trp988Ter; replaces tryptophan 988 with a stop codon.
Molecular consequence: nonsense.
Genome position (GRCh38, 1-based): chr15:48,489,969, C>T on the plus strand (G>A on the coding strand, the complement: FBN1 is on the minus strand). VCF-style: chr15-48489969-C-T. GRCh37 (hg19) VCF-style: chr15-48782166-C-T.
Other names: c.2964G>A, p.Trp988Ter (NM_001406716.1); short protein forms W988*.
Identifiers: ClinVar variation 2504236 (VCV002504236.4), dbSNP rs2505558168, ClinGen allele CA392329418.